The following is an entry in ClinVar:

NM_006941.4(SOX10):c.1352_1359dup (p.His454fs)

Genes: POLR2F (RNA polymerase II, I and III subunit F; plus strand), SOX10 (SRY-box transcription factor 10; minus strand). Cytogenetic location: 22q13.1.
Variant type: Duplication.
Coding change: c.1352_1359dup on transcript NM_006941.4 (MANE Select); coding-DNA positions 1352 to 1359, 8 bases duplicated (GCCCCACA; older notation c.1352_1359dupGCCCCACA).
Protein change: p.His454fs; shifts the reading frame from histidine 454.
Molecular consequence: frameshift variant. On other transcripts: intron variant (3).
Genome position (GRCh38, 1-based): chr22:37,973,537-37,973,544, TGTGGGGC duplicated on the plus strand (GCCCCACA on the coding strand, the reverse complement: SOX10 is on the minus strand); duplicating any 8 consecutive bases within chr22:37,973,537-37,973,550 gives the same sequence; the c. name uses the placement nearest the transcript's 3' end. VCF-style (leftmost placement, unchanged base first): chr22-37973536-G-GTGTGGGGC. GRCh37 (hg19) VCF-style: chr22-38369543-G-GTGTGGGGC.
Other names: c.1359_1360insGCCCCACA (NM_006941.3); c.1352_1359dup (NM_006941.3); c.*38+1233_*38+1240dup (NM_001363825.1); c.293+6373_293+6380dup (NM_001301130.2, NM_001301131.2); short protein forms H454fs.
Identifiers: ClinVar variation 805532 (VCV000805532.5), dbSNP rs1601878540, ClinGen allele CA915951357.

ClinVar aggregate classification (germline): Pathogenic/Likely pathogenic. Review status: criteria provided, multiple submitters, no conflicts (2 of 4 stars). 3 submissions from 3 submitters: Pathogenic (1); Likely pathogenic (2). Last evaluated 2022-04-16.

Conditions:
PCWH syndrome. Also called: WAARDENBURG-SHAH SYNDROME, NEUROLOGIC VARIANT. Identifiers: Orphanet 163746, MedGen C1836727, MONDO:0012198, OMIM 609136.
Waardenburg syndrome type 2E (WS2E). Also called: HYPOGONADOTROPIC HYPOGONADISM WITH ANOSMIA AND DEAFNESS, WITH OR WITHOUT HYPOPIGMENTATION; WAARDENBURG SYNDROME, TYPE 2E, WITH OR WITHOUT NEUROLOGIC INVOLVEMENT; WS2E, WITH OR WITHOUT NEUROLOGIC INVOLVEMENT. Identifiers: Orphanet 3440, MedGen C2700405, MONDO:0012698, OMIM 611584.
Waardenburg syndrome type 4C (WS4C). Also called: WAARDENBURG SYNDROME WITH HIRSCHSPRUNG DISEASE, TYPE 4C. Identifiers: Orphanet 897, MedGen C2750452, MONDO:0013202, OMIM 613266.

Submissions (3):

Fulgent Genetics
Classification: Likely pathogenic for PCWH syndrome; Waardenburg syndrome type 2E; Waardenburg syndrome type 4C. Last evaluated: 2022-04-16. Review status: criteria provided, single submitter. Criteria: ACMG Guidelines, 2015. Collection method: clinical testing. Allele origin: unknown.

Athena Diagnostics
Classification: Likely pathogenic. Last evaluated: 2019-07-26. Review status: criteria provided, single submitter. Criteria: Athena Diagnostics Criteria. Collection method: clinical testing. Allele origin: germline.
Comment: The variant results in a shift of the reading frame, and is therefore predicted to result in the loss of a functional protein. Not found in the total gnomAD dataset, and the data is high quality (0/267472 chr).

Genetic Testing Center for Deafness, Department of Otolaryngology Head & Neck Surgery, Institute of Otolaryngology, Chinese PLA General Hospital
Classification: Pathogenic for Waardenburg syndrome type 2E. Last evaluated: 2019-01-01. Review status: criteria provided, single submitter. Criteria: ACMG Guidelines, 2015. Collection method: clinical testing. Allele origin: de novo. Affected: yes.